The following is an entry in ClinVar:

NM_001258392.3(CLPB):c.776-273C>T

Gene: CLPB (ClpB family mitochondrial disaggregase; minus strand). Cytogenetic location: 11q13.4.
Variant type: single nucleotide variant.
Coding change: c.776-273C>T on transcript NM_001258392.3 (MANE Select); 273 bases into the intron before coding-DNA position 776, C replaced by T.
Molecular consequence: intron variant.
Genome position (GRCh38, 1-based): chr11:72,330,077, G>A on the plus strand (C>T on the coding strand, the complement: CLPB is on the minus strand). VCF-style: chr11-72330077-G-A. GRCh37 (hg19) VCF-style: chr11-72041121-G-A.
Other names: c.689-273C>T (NM_001258393.3); c.866-273C>T (NM_030813.6); c.731-273C>T (NM_001258394.3).
Identifiers: ClinVar variation 672510 (VCV000672510.1), dbSNP rs117992720, ClinGen allele CA224404522.

ClinVar aggregate classification (germline): Benign (1 of 4 stars; one submission).

Allele frequency attached by ClinVar (database versions not stated): 1000 Genomes Project 30x 0.01562; 1000 Genomes Project 0.01637; TOPMed 0.02421.
gnomAD v4.1: 4,431 of 152,144 alleles (2.9%); highest among the groups gnomAD compares: Non-Finnish European, 4%; 111 homozygotes.

Submission:

GeneDx
Classification: Benign. Last evaluated: 2018-06-14. Review status: criteria provided, single submitter. Criteria: GeneDx Variant Classification (06012015). Collection method: clinical testing. Allele origin: germline. Affected: yes.
Comment: This variant is considered likely benign or benign based on one or more of the following criteria: it is a conservative change, it occurs at a poorly conserved position in the protein, it is predicted to be benign by multiple in silico algorithms, and/or has population frequency not consistent with disease.